The following is an entry in ClinVar:

NC_000012.12:g.121641307G>C

Gene: ORAI1 (ORAI calcium release-activated calcium modulator 1; plus strand). Cytogenetic location: 12q24.31.
Variant type: single nucleotide variant.
Molecular consequence: non-coding transcript variant (on NR_186857.1).
Genome position: GRCh38 VCF-style: chr12-121641307-G-C. GRCh37 (hg19) VCF-style: chr12-122079213-G-C.
Identifiers: ClinVar variation 4785622 (VCV004785622.1).

ClinVar aggregate classification (germline): Uncertain significance (1 of 4 stars; one submission).

Conditions:
Combined immunodeficiency due to ORAI1 deficiency. Also called: IMMUNODEFICIENCY 9. Identifiers: Orphanet 169090, Orphanet 317428, MedGen C2748568, MONDO:0013007, OMIM 612782.
Myopathy, tubular aggregate, 2 (TAM2). Identifiers: MedGen C4014557, MONDO:0014383, OMIM 615883.

Submission:

Labcorp Genetics (formerly Invitae), Labcorp
Classification: Uncertain significance for Myopathy, tubular aggregate, 2; Combined immunodeficiency due to ORAI1 deficiency. Last evaluated: 2025-07-20. Review status: criteria provided, single submitter. Criteria: Invitae Variant Classification Sherloc (09022015). Collection method: clinical testing. Allele origin: germline.
Comment: This sequence change replaces glutamic acid, which is acidic and polar, with aspartic acid, which is acidic and polar, at codon 190 of the ORAI1 protein (p.Glu190Asp). This variant is not present in population databases (gnomAD no frequency). This variant has not been reported in the literature in individuals affected with ORAI1-related conditions. Experimental studies and prediction algorithms are not available or were not evaluated, and the functional significance of this variant is currently unknown. In summary, the available evidence is currently insufficient to determine the role of this variant in disease. Therefore, it has been classified as a Variant of Uncertain Significance.